The following is an entry in ClinVar:

ClinVar aggregate classification (germline): Uncertain significance (1 of 4 stars; one submission).

Conditions:
Amyotrophic lateral sclerosis type 1 (ALS1). Also called: AMYOTROPHIC LATERAL SCLEROSIS 1, FAMILIAL. Identifiers: Orphanet 803, MedGen C1862939, MONDO:0007103, OMIM 105400.
Perry syndrome. Also called: PARKINSONISM WITH ALVEOLAR HYPOVENTILATION AND MENTAL DEPRESSION. Identifiers: Orphanet 178509, MedGen C1868594, MONDO:0008201, OMIM 168605.
Neuronopathy, distal hereditary motor, type 7B. Also called: Distal Hereditary Motor Neuronopathy Type 7B (dHMN7B); NEURONOPATHY, DISTAL HEREDITARY MOTOR, AUTOSOMAL DOMINANT 14; NEURONOPATHY, DISTAL HEREDITARY MOTOR, HARDING TYPE VIIB; NEUROPATHY, DISTAL HEREDITARY MOTOR, HARDING TYPE VIIB; NEUROPATHY, DISTAL HEREDITARY MOTOR, WITH VOCAL CORD PARALYSIS, HARDING TYPE VIIB; HMN VIIB. Identifiers: Orphanet 139589, MedGen C1843315, MONDO:0011879, OMIM 607641.

Submission:

Labcorp Genetics (formerly Invitae), Labcorp
Classification: Uncertain significance for Amyotrophic lateral sclerosis type 1; Neuronopathy, distal hereditary motor, type 7B; Perry syndrome. Last evaluated: 2022-06-05. Review status: criteria provided, single submitter. Criteria: Invitae Variant Classification Sherloc (09022015). Collection method: clinical testing. Allele origin: germline.
Comment: Algorithms developed to predict the effect of missense changes on protein structure and function (SIFT, PolyPhen-2, Align-GVGD) all suggest that this variant is likely to be disruptive. In summary, the available evidence is currently insufficient to determine the role of this variant in disease. Therefore, it has been classified as a Variant of Uncertain Significance. This sequence change replaces aspartic acid, which is acidic and polar, with glycine, which is neutral and non-polar, at codon 463 of the DCTN1 protein (p.Asp463Gly). This variant is not present in population databases (gnomAD no frequency). This variant has not been reported in the literature in individuals affected with DCTN1-related conditions. ClinVar contains an entry for this variant (Variation ID: 576002).

NM_004082.5(DCTN1):c.1388A>G (p.Asp463Gly)

Gene: DCTN1 (dynactin subunit 1; minus strand). Cytogenetic location: 2p13.1.
Variant type: single nucleotide variant.
Coding change: c.1388A>G on transcript NM_004082.5 (MANE Select); coding-DNA position 1388, A replaced by G.
Protein change: p.Asp463Gly; replaces aspartic acid 463 with glycine.
Molecular consequence: missense variant. On other transcripts: non-coding transcript variant (1).
Genome position (GRCh38, 1-based): chr2:74,369,969, T>C on the plus strand (A>G on the coding strand, the complement: DCTN1 is on the minus strand). VCF-style: chr2-74369969-T-C. GRCh37 (hg19) VCF-style: chr2-74597096-T-C.
Other names: c.1328A>G, p.Asp443Gly (NM_001135040.3); c.986A>G, p.Asp329Gly (NM_001135041.3, NM_023019.4); c.1277A>G, p.Asp426Gly (NM_001190836.2); c.1367A>G, p.Asp456Gly (NM_001190837.2); c.1337A>G, p.Asp446Gly (NM_001378991.1); c.1319A>G, p.Asp440Gly (NM_001378992.1); short protein forms D329G, D426G, D463G, D456G, D443G, D440G, D446G.
Identifiers: ClinVar variation 576002 (VCV000576002.9), dbSNP rs1558941192, ClinGen allele CA347359474.